The following is an entry in ClinVar:

NM_001395002.1(MAP4K4):c.3514A>C (p.Lys1172Gln)

Gene: MAP4K4 (mitogen-activated protein kinase kinase kinase kinase 4; plus strand). Cytogenetic location: 2q11.2.
Variant type: single nucleotide variant.
Coding change: c.3514A>C on transcript NM_001395002.1 (MANE Select); coding-DNA position 3514, A replaced by C.
Protein change: p.Lys1172Gln; replaces lysine 1172 with glutamine.
Molecular consequence: missense variant. On other transcripts: non-coding transcript variant (4).
Genome position (GRCh38, 1-based): chr2:101,882,679, A>C. VCF-style: chr2-101882679-A-C. GRCh37 (hg19) VCF-style: chr2-102499141-A-C.
Other names: c.3079A>C, p.Lys1027Gln (NM_001242559.2); c.3067A>C, p.Lys1023Gln (NM_001242560.2); c.3157A>C, p.Lys1053Gln (NM_001384476.1); c.3346A>C, p.Lys1116Gln (NM_001384477.1); c.2836A>C, p.Lys946Gln (NM_001384478.1); c.3274A>C, p.Lys1092Gln (NM_001384481.1); c.2827A>C, p.Lys943Gln (NM_001384482.1); c.3109A>C, p.Lys1037Gln (NM_001384483.1); and 39 more; short protein forms K1000Q, K1001Q, K1010Q, K1011Q, K1014Q, K1016Q, K1022Q, K1023Q.
Identifiers: ClinVar variation 3774870 (VCV003774870.1).

ClinVar aggregate classification (germline): Uncertain significance (1 of 4 stars; one submission).

gnomAD v4.1: 1 of 1,582,688 alleles (0.000063%); highest among the groups gnomAD compares: African/African-American, 0.0014%; no homozygotes.

Submission:

GeneDx
Classification: Uncertain significance. Last evaluated: 2024-09-29. Review status: criteria provided, single submitter. Criteria: GeneDx Variant Classification Process June 2021. Collection method: clinical testing. Allele origin: germline. Affected: yes.
Comment: In silico analysis supports that this missense variant has a deleterious effect on protein structure/function; Has not been previously published as pathogenic or benign to our knowledge